The following is an entry in ClinVar:

NM_001122681.2(SH3BP2):c.332C>T (p.Ser111Leu)

Gene: SH3BP2 (SH3 domain binding protein 2; plus strand). Cytogenetic location: 4p16.3.
Variant type: single nucleotide variant.
Coding change: c.332C>T on transcript NM_001122681.2 (MANE Select); coding-DNA position 332, C replaced by T.
Protein change: p.Ser111Leu; replaces serine 111 with leucine.
Molecular consequence: missense variant.
Genome position (GRCh38, 1-based): chr4:2,824,705, C>T. VCF-style: chr4-2824705-C-T. GRCh37 (hg19) VCF-style: chr4-2826432-C-T.
Other names: c.416C>T, p.Ser139Leu (NM_001145855.2); c.503C>T, p.Ser168Leu (NM_001145856.2); c.332C>T, p.Ser111Leu (NM_003023.4); short protein forms S111L, S139L, S168L.
Identifiers: ClinVar variation 2882255 (VCV002882255.3), dbSNP rs752071353, ClinGen allele CA2819007.
Genomic context (GRCh38, chr4:2,824,705, plus strand): 5'-ACAACGTTTTCCCCTTCAAGATCATCCATATCAGCAAGAAGCACCGCACGTGGTTCTTCT[C>T]GGCCTCCTCCGAGGAGGAGCGCAAGGTGACTGGGGGTCCGAGGACGAGTGCAAGGTGACT-3'
Protein context (NP_001116153.1, residues 101-121): ISKKHRTWFF[Ser111Leu]ASSEEERKSW

ClinVar aggregate classification (germline): Uncertain significance (1 of 4 stars; one submission).

Conditions:
Fibrous dysplasia of jaw (CRBM). Also called: Cherubism. Identifiers: Orphanet 184, MedGen C0008029, MONDO:0007315, OMIM 118400.

Allele frequency attached by ClinVar (database versions not stated): ExAC 0.00001; gnomAD 0.00001; gnomAD exomes 0.00001; TOPMed 0.00002.
gnomAD v4.1: 15 of 1,613,390 alleles (0.00093%); highest among the groups gnomAD compares: Non-Finnish European, 0.0012%; no homozygotes.

Submission:

Labcorp Genetics (formerly Invitae), Labcorp
Classification: Uncertain significance for Fibrous dysplasia of jaw. Last evaluated: 2023-02-08. Review status: criteria provided, single submitter. Criteria: Invitae Variant Classification Sherloc (09022015). Collection method: clinical testing. Allele origin: germline.
Comment: The frequency data for this variant in the population databases is considered unreliable, as metrics indicate poor data quality at this position in the gnomAD database. This sequence change replaces serine, which is neutral and polar, with leucine, which is neutral and non-polar, at codon 111 of the SH3BP2 protein (p.Ser111Leu). This variant has not been reported in the literature in individuals affected with SH3BP2-related conditions. Advanced modeling of protein sequence and biophysical properties (such as structural, functional, and spatial information, amino acid conservation, physicochemical variation, residue mobility, and thermodynamic stability) performed at Invitae indicates that this missense variant is not expected to disrupt SH3BP2 protein function. In summary, the available evidence is currently insufficient to determine the role of this variant in disease. Therefore, it has been classified as a Variant of Uncertain Significance.